The following is an entry in ClinVar:

NM_000587.4(C7):c.2114G>A (p.Trp705Ter)

Gene: C7 (complement C7; plus strand). Cytogenetic location: 5p13.1.
Variant type: single nucleotide variant.
Coding change: c.2114G>A on transcript NM_000587.4 (MANE Select); coding-DNA position 2114, G replaced by A.
Protein change: p.Trp705Ter; replaces tryptophan 705 with a stop codon.
Molecular consequence: nonsense.
Genome position (GRCh38, 1-based): chr5:40,976,789, G>A. VCF-style: chr5-40976789-G-A. GRCh37 (hg19) VCF-style: chr5-40976891-G-A.
Other names: short protein forms W705*.
Identifiers: ClinVar variation 3680477 (VCV003680477.2).
Genomic context (GRCh38, chr5:40,976,789, plus strand): 5'-ATCTCCCTTATCCTTTTTTAGAAAATCCGTTAACACAGGCAGTGCCTAAATGTCAGCGCT[G>A]GGAGAAACTGCAGAATTCAAGATGTGTTTGTAAAATGCCCTACGAATGTGGGTAAGTGCC-3'

ClinVar aggregate classification (germline): Pathogenic (1 of 4 stars; one submission).

Submission:

Labcorp Genetics (formerly Invitae), Labcorp
Classification: Pathogenic. Last evaluated: 2024-07-02. Review status: criteria provided, single submitter. Criteria: Invitae Variant Classification Sherloc (09022015). Collection method: clinical testing. Allele origin: germline.
Comment: This sequence change creates a premature translational stop signal (p.Trp705*) in the C7 gene. It is expected to result in an absent or disrupted protein product. Loss-of-function variants in C7 are known to be pathogenic (PMID: 9856499, 17407100). This variant is not present in population databases (gnomAD no frequency). This variant has not been reported in the literature in individuals affected with C7-related conditions. For these reasons, this variant has been classified as Pathogenic.

Literature cited by the submitters: PubMed 9856499; PubMed 17407100.